The following is an entry in ClinVar:

NC_000023.10:g.(?_152014869)_(152031288_?)dup

Gene: NSDHL (NAD(P) dependent steroid dehydrogenase-like; plus strand). Cytogenetic location: Xq28.
Variant type: Duplication.
Identifiers: ClinVar variation 2426246 (VCV002426246.4).

ClinVar aggregate classification (germline): Uncertain significance (1 of 4 stars; one submission).

Submission:

Labcorp Genetics (formerly Invitae), Labcorp
Classification: Uncertain significance. Last evaluated: 2023-08-04. Review status: criteria provided, single submitter. Criteria: Invitae Variant Classification Sherloc (09022015). Collection method: clinical testing. Allele origin: germline.
Comment: This variant results in a copy number gain of the genomic region encompassing exon(s) 2-5 of the NSDHL gene. This region includes the initiator codon of the gene. This copy number gain extends beyond the assayed region for this gene and therefore may encompass additional genes. As the precise location of this event is unknown, it may be in tandem or it may be located elsewhere in the genome. This variant has not been reported in the literature in individuals affected with NSDHL-related conditions. Experimental studies and prediction algorithms are not available or were not evaluated, and the functional significance of this variant is currently unknown. In summary, the available evidence is currently insufficient to determine the role of this variant in disease. Therefore, it has been classified as a Variant of Uncertain Significance.